The following is an entry in ClinVar:

ClinVar aggregate classification (germline): Likely benign. Review status: criteria provided, multiple submitters, no conflicts (2 of 4 stars). 3 submissions from 3 submitters: Likely benign (3). Last evaluated 2021-12-23.

Conditions:
Intellectual developmental disorder, X-linked 1. Also called: Atkin Flaitz Patil Smith syndrome; MENTAL RETARDATION, X-LINKED 18; MENTAL RETARDATION, X-LINKED 78; Intellectual disability, X-linked 1. Identifiers: Orphanet 777, MedGen C2931498, MONDO:0010656, OMIM 309530.

Allele frequency attached by ClinVar (database versions not stated): gnomAD 0.00773 and 0.00786; TOPMed 0.00878; 1000 Genomes Project 0.00238.

Submissions (3):

Fulgent Genetics
Classification: Likely benign for Intellectual developmental disorder, X-linked 1. Last evaluated: 2021-12-23. Review status: criteria provided, single submitter. Criteria: ACMG Guidelines, 2015. Collection method: clinical testing. Allele origin: unknown.

GeneDx
Classification: Likely benign. Last evaluated: 2018-06-14. Review status: criteria provided, single submitter. Criteria: GeneDx Variant Classification (06012015). Collection method: clinical testing. Allele origin: germline. Affected: yes.
Comment: This variant is considered likely benign or benign based on one or more of the following criteria: it is a conservative change, it occurs at a poorly conserved position in the protein, it is predicted to be benign by multiple in silico algorithms, and/or has population frequency not consistent with disease.

Breakthrough Genomics
Classification: Likely benign. Review status: criteria provided, single submitter. Criteria: ACMG Guidelines, 2015. Collection method: not provided. Allele origin: germline. Inheritance: X-linked inheritance. Affected: yes.

NM_001111125.3(IQSEC2):c.737+10291G>A

Gene: IQSEC2 (IQ motif and Sec7 domain ArfGEF 2; minus strand). Cytogenetic location: Xp11.22.
Variant type: single nucleotide variant.
Coding change: c.737+10291G>A on transcript NM_001111125.3 (MANE Select); 10291 bases into the intron after coding-DNA position 737, G replaced by A.
Molecular consequence: intron variant.
Genome position (GRCh38, 1-based): chrX:53,281,604, C>T on the plus strand (G>A on the coding strand, the complement: IQSEC2 is on the minus strand). VCF-style: chrX-53281604-C-T. GRCh37 (hg19) VCF-style: chrX-53310786-C-T.
Identifiers: ClinVar variation 681998 (VCV000681998.3), dbSNP rs189694247, ClinGen allele CA329173469.